The following is an entry in ClinVar:

ClinVar aggregate classification (germline): Uncertain significance (1 of 4 stars; one submission).

Allele frequency attached by ClinVar (database versions not stated): gnomAD 0.00001; TOPMed 0.00001.
gnomAD v4.1: 11 of 1,612,844 alleles (0.00068%); highest among the groups gnomAD compares: Admixed American, 0.0033%; no homozygotes.

Submission:

Labcorp Genetics (formerly Invitae), Labcorp
Classification: Uncertain significance. Last evaluated: 2025-10-06. Review status: criteria provided, single submitter. Criteria: Invitae Variant Classification Sherloc (09022015). Collection method: clinical testing. Allele origin: germline.
Comment: This sequence change replaces aspartic acid, which is acidic and polar, with glutamic acid, which is acidic and polar, at codon 2467 of the FN1 protein (p.Asp2467Glu). This variant is present in population databases (no rsID available, gnomAD 0.003%). This variant has not been reported in the literature in individuals affected with FN1-related conditions. ClinVar contains an entry for this variant (Variation ID: 2152588). An algorithm developed to predict the effect of missense changes on protein structure and function (PolyPhen-2) suggests that this variant is likely to be tolerated. In summary, the available evidence is currently insufficient to determine the role of this variant in disease. Therefore, it has been classified as a Variant of Uncertain Significance.

NM_212482.4(FN1):c.7401T>A (p.Asp2467Glu)

Genes: ATIC (5-aminoimidazole-4-carboxamide ribonucleotide formyltransferase/IMP cyclohydrolase; plus strand), FN1 (fibronectin 1; minus strand). Cytogenetic location: 2q35.
Variant type: single nucleotide variant.
Coding change: c.7401T>A on transcript NM_212482.4 (MANE Select); coding-DNA position 7401, T replaced by A.
Protein change: p.Asp2467Glu; replaces aspartic acid 2467 with glutamic acid.
Molecular consequence: missense variant.
Genome position (GRCh38, 1-based): chr2:215,361,588, A>T on the plus strand (T>A on the coding strand, the complement: FN1 is on the minus strand). VCF-style: chr2-215361588-A-T. GRCh37 (hg19) VCF-style: chr2-216226311-A-T.
Other names: c.7308T>A, p.Asp2436Glu (NM_001306129.2); c.6771T>A, p.Asp2257Glu (NM_001306130.2); c.6765T>A, p.Asp2255Glu (NM_001306131.2); c.6690T>A, p.Asp2230Glu (NM_001306132.2); c.7131T>A, p.Asp2377Glu (NM_001365517.2); c.7128T>A, p.Asp2376Glu (NM_001365518.2); c.7056T>A, p.Asp2352Glu (NM_001365519.2); c.7053T>A, p.Asp2351Glu (NM_001365520.2); and 8 more; short protein forms D2321E, D2351E, D2377E, D2467E, D2230E, D2255E, D2256E, D2257E.
Identifiers: ClinVar variation 2152588 (VCV002152588.4), dbSNP rs757979640, ClinGen allele CA350461420.